The following is an entry in ClinVar:

NM_024407.5(NDUFS7):c.61G>A (p.Val21Met)

Gene: NDUFS7 (NADH:ubiquinone oxidoreductase core subunit S7; plus strand). Cytogenetic location: 19p13.3.
Variant type: single nucleotide variant.
Coding change: c.61G>A on transcript NM_024407.5 (MANE Select); coding-DNA position 61, G replaced by A.
Protein change: p.Val21Met; replaces valine 21 with methionine.
Molecular consequence: missense variant.
Genome position (GRCh38, 1-based): chr19:1,388,532, G>A. VCF-style: chr19-1388532-G-A. GRCh37 (hg19) VCF-style: chr19-1388531-G-A.
Other names: c.61G>A, p.Val21Met (NM_001363602.2); short protein forms V21M.
Identifiers: ClinVar variation 1948021 (VCV001948021.3), dbSNP rs777194361, ClinGen allele CA9043057.

ClinVar aggregate classification (germline): Uncertain significance (1 of 4 stars; one submission).

Allele frequency attached by ClinVar (database versions not stated): gnomAD exomes 0.00001; TOPMed 0.00001; ExAC 0.00003.
gnomAD v4.1: 13 of 1,611,294 alleles (0.00081%); highest among the groups gnomAD compares: Admixed American, 0.0067%; no homozygotes.

Submission:

Labcorp Genetics (formerly Invitae), Labcorp
Classification: Uncertain significance. Last evaluated: 2025-08-18. Review status: criteria provided, single submitter. Criteria: Invitae Variant Classification Sherloc (09022015). Collection method: clinical testing. Allele origin: germline.
Comment: This sequence change replaces valine, which is neutral and non-polar, with methionine, which is neutral and non-polar, at codon 21 of the NDUFS7 protein (p.Val21Met). The frequency data for this variant in the population databases is considered unreliable, as metrics indicate poor data quality at this position in the gnomAD database. This variant has not been reported in the literature in individuals affected with NDUFS7-related conditions. ClinVar contains an entry for this variant (Variation ID: 1948021). An algorithm developed to predict the effect of missense changes on protein structure and function outputs the following: PolyPhen-2: "Benign". The methionine amino acid residue is found in multiple mammalian species, which suggests that this missense change does not adversely affect protein function. In summary, the available evidence is currently insufficient to determine the role of this variant in disease. Therefore, it has been classified as a Variant of Uncertain Significance.